The following is an entry in ClinVar:

NM_024496.4(IRF2BPL):c.1707G>C (p.Trp569Cys)

Gene: IRF2BPL (interferon regulatory factor 2 binding protein like; minus strand). Cytogenetic location: 14q24.3.
Variant type: single nucleotide variant.
Coding change: c.1707G>C on transcript NM_024496.4 (MANE Select); coding-DNA position 1707, G replaced by C.
Protein change: p.Trp569Cys; replaces tryptophan 569 with cysteine.
Molecular consequence: missense variant.
Genome position (GRCh38, 1-based): chr14:77,026,086, C>G on the plus strand (G>C on the coding strand, the complement: IRF2BPL is on the minus strand). VCF-style: chr14-77026086-C-G. GRCh37 (hg19) VCF-style: chr14-77492429-C-G.
Other names: short protein forms W569C.
Identifiers: ClinVar variation 2636507 (VCV002636507.2), dbSNP rs2503075170, ClinGen allele CA390492349.

ClinVar aggregate classification (germline): Uncertain significance (0 of 4 stars; one submission).

Conditions:
IRF2BPL-related disorder. Also called: IRF2BPL-related condition. Identifiers: MedGen CN381093.

Submission:

PreventionGenetics, part of Exact Sciences
Classification: Uncertain significance for IRF2BPL-related condition. Last evaluated: 2024-03-07. Review status: no assertion criteria provided. Collection method: clinical testing. Allele origin: germline.
Comment: The IRF2BPL c.1707G>C variant is predicted to result in the amino acid substitution p.Trp569Cys. To our knowledge, this variant has not been reported in the literature or in a large population database, indicating this variant is rare. At this time, the clinical significance of this variant is uncertain due to the absence of conclusive functional and genetic evidence.